The following is an entry in ClinVar:

NM_001453.3(FOXC1):c.733G>A (p.Ala245Thr)

Gene: FOXC1 (forkhead box C1; plus strand). Cytogenetic location: 6p25.3.
Variant type: single nucleotide variant.
Coding change: c.733G>A on transcript NM_001453.3 (MANE Select); coding-DNA position 733, G replaced by A.
Protein change: p.Ala245Thr; replaces alanine 245 with threonine.
Molecular consequence: missense variant.
Genome position (GRCh38, 1-based): chr6:1,611,178, G>A. VCF-style: chr6-1611178-G-A. GRCh37 (hg19) VCF-style: chr6-1611413-G-A.
Other names: short protein forms A245T.
Identifiers: ClinVar variation 2417992 (VCV002417992.6), dbSNP rs2113112501, ClinGen allele CA362559452.

ClinVar aggregate classification (germline): Uncertain significance (1 of 4 stars; one submission).

Conditions:
Axenfeld-Rieger syndrome type 3 (RIEG3). Also called: AXENFELD-RIEGER ANOMALY WITH CARDIAC DEFECTS AND/OR SENSORINEURAL HEARING LOSS. Identifiers: Orphanet 782, MedGen C2678503, MONDO:0011233, OMIM 602482.

Allele frequency attached by ClinVar (database versions not stated): gnomAD 0.00001.

Submission:

Labcorp Genetics (formerly Invitae), Labcorp
Classification: Uncertain significance for Axenfeld-Rieger syndrome type 3. Last evaluated: 2024-10-23. Review status: criteria provided, single submitter. Criteria: Invitae Variant Classification Sherloc (09022015). Collection method: clinical testing. Allele origin: germline.
Comment: This sequence change replaces alanine, which is neutral and non-polar, with threonine, which is neutral and polar, at codon 245 of the FOXC1 protein (p.Ala245Thr). This variant is not present in population databases (gnomAD no frequency). This variant has not been reported in the literature in individuals affected with FOXC1-related conditions. ClinVar contains an entry for this variant (Variation ID: 2417992). An algorithm developed to predict the effect of missense changes on protein structure and function (PolyPhen-2) suggests that this variant is likely to be tolerated. In summary, the available evidence is currently insufficient to determine the role of this variant in disease. Therefore, it has been classified as a Variant of Uncertain Significance.